The following is an entry in ClinVar:

NM_005733.3(KIF20A):c.385C>T (p.Pro129Ser)

Gene: KIF20A (kinesin family member 20A; plus strand). Cytogenetic location: 5q31.2.
Variant type: single nucleotide variant.
Coding change: c.385C>T on transcript NM_005733.3 (MANE Select); coding-DNA position 385, C replaced by T.
Protein change: p.Pro129Ser; replaces proline 129 with serine.
Molecular consequence: missense variant.
Genome position (GRCh38, 1-based): chr5:138,182,332, C>T. VCF-style: chr5-138182332-C-T. GRCh37 (hg19) VCF-style: chr5-137518021-C-T.
Other names: c.385C>T (NM_005733.2); short protein forms P129S.
Identifiers: ClinVar variation 2166153 (VCV002166153.5), dbSNP rs767928954, ClinGen allele CA3426304.

ClinVar aggregate classification (germline): Uncertain significance. Review status: criteria provided, multiple submitters, no conflicts (2 of 4 stars). 2 submissions from 2 submitters: Uncertain significance (2). Last evaluated 2025-09-02.

Allele frequency attached by ClinVar (database versions not stated): gnomAD exomes 0.00001; ExAC 0.00003; gnomAD 0.00003; TOPMed 0.00008.
gnomAD v4.1: 23 of 1,613,188 alleles (0.0014%); highest among the groups gnomAD compares: Admixed American, 0.025%; no homozygotes.

Submissions (2):

Labcorp Genetics (formerly Invitae), Labcorp
Classification: Uncertain significance. Last evaluated: 2025-09-02. Review status: criteria provided, single submitter. Criteria: Invitae Variant Classification Sherloc (09022015). Collection method: clinical testing. Allele origin: germline.
Comment: This sequence change replaces proline, which is neutral and non-polar, with serine, which is neutral and polar, at codon 129 of the KIF20A protein (p.Pro129Ser). This variant is present in population databases (rs767928954, gnomAD 0.03%). This variant has not been reported in the literature in individuals affected with KIF20A-related conditions. ClinVar contains an entry for this variant (Variation ID: 2166153). An algorithm developed to predict the effect of missense changes on protein structure and function (PolyPhen-2) suggests that this variant is likely to be disruptive. In summary, the available evidence is currently insufficient to determine the role of this variant in disease. Therefore, it has been classified as a Variant of Uncertain Significance.

Ambry Genetics
Classification: Uncertain significance. Last evaluated: 2023-12-14. Review status: criteria provided, single submitter. Criteria: Ambry Variant Classification Scheme 2023. Collection method: clinical testing. Allele origin: germline.